The following is an entry in ClinVar:

NM_053025.4(MYLK):c.3653-2A>G

Gene: MYLK (myosin light chain kinase; minus strand). Cytogenetic location: 3q21.1.
Variant type: single nucleotide variant.
Coding change: c.3653-2A>G on transcript NM_053025.4 (MANE Select); the canonical splice acceptor site of the intron before coding-DNA position 3653, A replaced by G.
Molecular consequence: splice acceptor variant.
Genome position (GRCh38, 1-based): chr3:123,667,189, T>C on the plus strand (A>G on the coding strand, the complement: MYLK is on the minus strand). VCF-style: chr3-123667189-T-C. GRCh37 (hg19) VCF-style: chr3-123386036-T-C.
Other names: c.3446-2A>G (NM_053026.4, NM_053028.4); c.3653-2A>G (NM_053027.4); c.3125-2A>G (NM_001321309.2).
Identifiers: ClinVar variation 1733613 (VCV001733613.2), dbSNP rs757909004, ClinGen allele CA069981.

ClinVar aggregate classification (germline): Uncertain significance (1 of 4 stars; one submission).

Conditions:
Familial thoracic aortic aneurysm and aortic dissection (TAAD). Also called: Thoracic aortic aneurysms and dissections. Identifiers: Orphanet 91387, MedGen C4707243, MONDO:0019625.

Allele frequency attached by ClinVar (database versions not stated): gnomAD exomes below 0.00001; TOPMed below 0.00001; ExAC 0.00001.
gnomAD v4.1: 1 of 1,614,100 alleles (0.000062%); highest among the groups gnomAD compares: Non-Finnish European, 0.000085%; no homozygotes.

Submission:

Ambry Genetics
Classification: Uncertain significance for Familial thoracic aortic aneurysm and aortic dissection. Last evaluated: 2017-12-21. Review status: criteria provided, single submitter. Criteria: Ambry Variant Classification Scheme 2023. Collection method: clinical testing. Allele origin: germline.
Comment: The c.3653-2A>G intronic variant results from an A to G substitution two nucleotides upstream from coding exon 18 in the MYLK gene. This nucleotide position is highly conserved in available vertebrate species. Using the BDGP and ESEfinder splice site prediction tools, this alteration is predicted to abolish the native splice acceptor site; however, direct evidence is unavailable. Alterations that disrupt the canonical splice site are expected to cause aberrant splicing, resulting in an abnormal protein or a transcript that is subject to nonsense-mediated mRNA decay. However, loss of function of MYLK has not been clearly established as a mechanism of disease. Since supporting evidence is limited at this time, the clinical significance of this alteration remains unclear.